The following is an entry in ClinVar:

ClinVar aggregate classification (germline): Uncertain significance (1 of 4 stars; one submission).

Allele frequency attached by ClinVar (database versions not stated): ExAC 0.00002; gnomAD 0.00003; TOPMed 0.00006; gnomAD exomes 0.00007; ESP Exome Variant Server 0.00008.

Submission:

Labcorp Genetics (formerly Invitae), Labcorp
Classification: Uncertain significance. Last evaluated: 2022-12-03. Review status: criteria provided, single submitter. Criteria: Invitae Variant Classification Sherloc (09022015). Collection method: clinical testing. Allele origin: germline.
Comment: In summary, the available evidence is currently insufficient to determine the role of this variant in disease. Therefore, it has been classified as a Variant of Uncertain Significance. Advanced modeling of protein sequence and biophysical properties (such as structural, functional, and spatial information, amino acid conservation, physicochemical variation, residue mobility, and thermodynamic stability) performed at Invitae indicates that this missense variant is expected to disrupt GJB4 protein function. This variant has not been reported in the literature in individuals affected with GJB4-related conditions. This variant is present in population databases (rs372312035, gnomAD 0.01%). This sequence change replaces valine, which is neutral and non-polar, with methionine, which is neutral and non-polar, at codon 95 of the GJB4 protein (p.Val95Met).

NM_153212.3(GJB4):c.283G>A (p.Val95Met)

Gene: GJB4 (gap junction protein beta 4; plus strand). Cytogenetic location: 1p34.3.
Variant type: single nucleotide variant.
Coding change: c.283G>A on transcript NM_153212.3 (MANE Select); coding-DNA position 283, G replaced by A.
Protein change: p.Val95Met; replaces valine 95 with methionine.
Molecular consequence: missense variant.
Genome position (GRCh38, 1-based): chr1:34,761,537, G>A. VCF-style: chr1-34761537-G-A. GRCh37 (hg19) VCF-style: chr1-35227138-G-A.
Other names: short protein forms V95M.
Identifiers: ClinVar variation 2722640 (VCV002722640.3), dbSNP rs372312035, ClinGen allele CA754533.